The following is an entry in ClinVar:

NM_003482.4(KMT2D):c.982G>T (p.Ala328Ser)

Gene: KMT2D (lysine methyltransferase 2D; minus strand). Cytogenetic location: 12q13.12.
Variant type: single nucleotide variant.
Coding change: c.982G>T on transcript NM_003482.4 (MANE Select); coding-DNA position 982, G replaced by T.
Protein change: p.Ala328Ser; replaces alanine 328 with serine.
Molecular consequence: missense variant.
Genome position (GRCh38, 1-based): chr12:49,053,045, C>A on the plus strand (G>T on the coding strand, the complement: KMT2D is on the minus strand). VCF-style: chr12-49053045-C-A. GRCh37 (hg19) VCF-style: chr12-49446828-C-A.
Other names: short protein forms A328S.
Identifiers: ClinVar variation 4749753 (VCV004749753.1).

ClinVar aggregate classification (germline): Uncertain significance (1 of 4 stars; one submission).

Conditions:
Kabuki syndrome. Also called: NIIKAWA-KUROKI SYNDROME; Kabuki make-up syndrome. Identifiers: Orphanet 2322, MedGen C0796004, MONDO:0016512.

Submission:

Labcorp Genetics (formerly Invitae), Labcorp
Classification: Uncertain significance for Kabuki syndrome. Last evaluated: 2026-01-10. Review status: criteria provided, single submitter. Criteria: Invitae Variant Classification Sherloc (09022015). Collection method: clinical testing. Allele origin: germline.
Comment: This sequence change replaces alanine, which is neutral and non-polar, with serine, which is neutral and polar, at codon 328 of the KMT2D protein (p.Ala328Ser). This variant is not present in population databases (gnomAD no frequency). This variant has not been reported in the literature in individuals affected with KMT2D-related conditions. Invitae Evidence Modeling of protein sequence and biophysical properties (such as structural, functional, and spatial information, amino acid conservation, physicochemical variation, residue mobility, and thermodynamic stability) indicates that this missense variant is not expected to disrupt KMT2D protein function with a negative predictive value of 95%. In summary, the available evidence is currently insufficient to determine the role of this variant in disease. Therefore, it has been classified as a Variant of Uncertain Significance.